The following is an entry in ClinVar:

NM_001387283.1(SMARCA4):c.4264A>G (p.Lys1422Glu)

Gene: SMARCA4 (SWI/SNF related BAF chromatin remodeling complex subunit ATPase 4; plus strand). Cytogenetic location: 19p13.2.
Variant type: single nucleotide variant.
Coding change: c.4264A>G on transcript NM_001387283.1 (MANE Plus Clinical); coding-DNA position 4264, A replaced by G.
Protein change: p.Lys1422Glu; replaces lysine 1422 with glutamic acid.
Molecular consequence: missense variant. On other transcripts: intron variant (7).
Genome position (GRCh38, 1-based): chr19:11,039,551, A>G. VCF-style: chr19-11039551-A-G. GRCh37 (hg19) VCF-style: chr19-11150227-A-G.
Other names: c.4264A>G, p.Lys1422Glu (NM_001128849.3); c.4165A>G, p.Lys1389Glu (NM_001411150.1); c.4171-1756A>G (NM_001128844.3, NM_003072.5); c.4072-1756A>G (NM_001128847.4, NM_001374457.1, NM_001128848.2); c.4072-1747A>G (NM_001128845.2, NM_001128846.2); short protein forms K1389E, K1422E.
Identifiers: ClinVar variation 3958479 (VCV003958479.1).
Genomic context (GRCh38, chr19:11,039,551, plus strand): 5'-AGCAGTGTGGCACGTGGGCTACAATTCCAGCGTGGCCTTCAGTTCTGCACACGTGCGTCA[A>G]AGGTGGGGAGAGTTCTGGTGGTGGGTGGCGCTGAGGGCTGCACAACACTGGGGACGTGCC-3'
Protein context (NP_001374212.1, residues 1412-1432): RGLQFCTRAS[Lys1422Glu]AIEEGTLEEI

ClinVar aggregate classification (germline): Uncertain significance (1 of 4 stars; one submission).

Conditions:
Hereditary cancer-predisposing syndrome. Also called: Tumor predisposition; Hereditary neoplastic syndrome; Hereditary Cancer Syndrome; Neoplastic Syndromes, Hereditary. Identifiers: Orphanet 140162, MedGen C0027672, MeSH D009386, MONDO:0015356.

gnomAD v4.1: 2 of 1,593,820 alleles (0.00013%); highest among the groups gnomAD compares: Admixed American, 0.0018%; no homozygotes.

Submission:

Ambry Genetics
Classification: Uncertain significance for Hereditary cancer-predisposing syndrome. Last evaluated: 2025-06-02. Review status: criteria provided, single submitter. Criteria: Ambry Variant Classification Scheme 2023. Collection method: clinical testing. Allele origin: germline.
Comment: The p.K1422E variant (also known as c.4264A>G), located in coding exon 29 of the SMARCA4 gene, results from an A to G substitution at nucleotide position 4264. The lysine at codon 1422 is replaced by glutamic acid, an amino acid with similar properties. This amino acid position is conserved. In addition, this alteration is predicted to be tolerated by in silico analysis. Based on the available evidence, the clinical significance of this variant remains unclear.